The following is an entry in ClinVar:

ClinVar aggregate classification (germline): Uncertain significance. Review status: criteria provided, multiple submitters, no conflicts (2 of 4 stars). 3 submissions from 3 submitters: Uncertain significance (3). Last evaluated 2024-11-24.

Conditions:
Familial cancer of breast. Also called: Hereditary breast cancer; hereditary breast carcinoma; BREAST CANCER, FAMILIAL. Identifiers: Orphanet 227535, MedGen C0346153, MONDO:0016419, OMIM 114480. Disease mechanism: loss of function.
Fanconi anemia complementation group J. Also called: BRIP1-Related Fanconi Anemia. Identifiers: Orphanet 84, MedGen C1836860, MONDO:0012187, OMIM 609054.
Hereditary cancer-predisposing syndrome. Also called: Hereditary Cancer Syndrome; Neoplastic Syndromes, Hereditary; Hereditary neoplastic syndrome; Tumor predisposition. Identifiers: Orphanet 140162, MedGen C0027672, MeSH D009386, MONDO:0015356.

Allele frequency attached by ClinVar (database versions not stated): gnomAD exomes below 0.00001.
gnomAD v4.1: 2 of 1,614,006 alleles (0.00012%); highest among the groups gnomAD compares: Non-Finnish European, 0.00017%; no homozygotes.

Submissions (3):

Labcorp Genetics (formerly Invitae), Labcorp
Classification: Uncertain significance for Familial cancer of breast; Fanconi anemia complementation group J. Last evaluated: 2024-11-24. Review status: criteria provided, single submitter. Criteria: Invitae Variant Classification Sherloc (09022015). Collection method: clinical testing. Allele origin: germline.
Comment: This sequence change replaces valine, which is neutral and non-polar, with isoleucine, which is neutral and non-polar, at codon 779 of the BRIP1 protein (p.Val779Ile). This variant is not present in population databases (gnomAD no frequency). This variant has not been reported in the literature in individuals affected with BRIP1-related conditions. ClinVar contains an entry for this variant (Variation ID: 821114). Invitae Evidence Modeling of protein sequence and biophysical properties (such as structural, functional, and spatial information, amino acid conservation, physicochemical variation, residue mobility, and thermodynamic stability) has been performed for this missense variant. However, the output from this modeling did not meet the statistical confidence thresholds required to predict the impact of this variant on BRIP1 protein function. In summary, the available evidence is currently insufficient to determine the role of this variant in disease. Therefore, it has been classified as a Variant of Uncertain Significance.

Ambry Genetics
Classification: Uncertain significance for Hereditary cancer-predisposing syndrome. Last evaluated: 2023-03-30. Review status: criteria provided, single submitter. Criteria: Ambry Variant Classification Scheme 2023. Collection method: clinical testing. Allele origin: germline.
Comment: The p.V779I variant (also known as c.2335G>A), located in coding exon 15 of the BRIP1 gene, results from a G to A substitution at nucleotide position 2335. The valine at codon 779 is replaced by isoleucine, an amino acid with highly similar properties. This amino acid position is highly conserved in available vertebrate species. In addition, the in silico prediction for this alteration is inconclusive. Since supporting evidence is limited at this time, the clinical significance of this alteration remains unclear.

Color Diagnostics, LLC DBA Color Health
Classification: Uncertain significance for Hereditary cancer-predisposing syndrome. Last evaluated: 2019-05-22. Review status: criteria provided, single submitter. Criteria: ACMG Guidelines, 2015. Collection method: clinical testing. Allele origin: germline.

NM_032043.3(BRIP1):c.2335G>A (p.Val779Ile)

Gene: BRIP1 (BRCA1 interacting DNA helicase 1; minus strand). Cytogenetic location: 17q23.2.
Variant type: single nucleotide variant.
Coding change: c.2335G>A on transcript NM_032043.3 (MANE Select); coding-DNA position 2335, G replaced by A.
Protein change: p.Val779Ile; replaces valine 779 with isoleucine.
Molecular consequence: missense variant.
Genome position (GRCh38, 1-based): chr17:61,743,057, C>T on the plus strand (G>A on the coding strand, the complement: BRIP1 is on the minus strand). VCF-style: chr17-61743057-C-T. GRCh37 (hg19) VCF-style: chr17-59820418-C-T.
Other names: short protein forms V779I.
Identifiers: ClinVar variation 821114 (VCV000821114.17), dbSNP rs1603303802, ClinGen allele CA400482612.